The following is an entry in ClinVar:

NM_001367561.1(DOCK7):c.3119G>A (p.Arg1040His)

Gene: DOCK7 (dedicator of cytokinesis 7; minus strand). Cytogenetic location: 1p31.3.
Variant type: single nucleotide variant.
Coding change: c.3119G>A on transcript NM_001367561.1 (MANE Select); coding-DNA position 3119, G replaced by A.
Protein change: p.Arg1040His; replaces arginine 1040 with histidine.
Molecular consequence: missense variant.
Genome position (GRCh38, 1-based): chr1:62,539,819, C>T on the plus strand (G>A on the coding strand, the complement: DOCK7 is on the minus strand). VCF-style: chr1-62539819-C-T. GRCh37 (hg19) VCF-style: chr1-63005490-C-T.
Other names: c.3119G>A, p.Arg1040His (NM_001271999.2, NM_001330614.2); c.3026G>A, p.Arg1009His (NM_001272000.2, NM_001272001.2, NM_033407.4); short protein forms R1009H, R1040H.
Identifiers: ClinVar variation 1898971 (VCV001898971.6), dbSNP rs1243605879, ClinGen allele CA340610136.

ClinVar aggregate classification (germline): Uncertain significance. Review status: criteria provided, multiple submitters, no conflicts (2 of 4 stars). 2 submissions from 2 submitters: Uncertain significance (2). Last evaluated 2022-03-21.

Conditions:
Developmental and epileptic encephalopathy, 23 (DEE23). Also called: Epileptic encephalopathy, early infantile, 23. Identifiers: Orphanet 411986, MedGen C4014492, MONDO:0014371, OMIM 615859.

Allele frequency attached by ClinVar (database versions not stated): gnomAD exomes below 0.00001.
gnomAD v4.1: 2 of 1,613,694 alleles (0.00012%); highest among the groups gnomAD compares: Non-Finnish European, 0.00017%; no homozygotes.

Submissions (2):

Labcorp Genetics (formerly Invitae), Labcorp
Classification: Uncertain significance for Developmental and epileptic encephalopathy, 23. Last evaluated: 2022-03-21. Review status: criteria provided, single submitter. Criteria: Invitae Variant Classification Sherloc (09022015). Collection method: clinical testing. Allele origin: germline.
Comment: In summary, the available evidence is currently insufficient to determine the role of this variant in disease. Therefore, it has been classified as a Variant of Uncertain Significance. Algorithms developed to predict the effect of missense changes on protein structure and function are either unavailable or do not agree on the potential impact of this missense change (SIFT: "Deleterious"; PolyPhen-2: "Benign"; Align-GVGD: "Class C0"). This sequence change replaces arginine, which is basic and polar, with histidine, which is basic and polar, at codon 1040 of the DOCK7 protein (p.Arg1040His). This variant is present in population databases (no rsID available, gnomAD 0.0009%). This variant has not been reported in the literature in individuals affected with DOCK7-related conditions.

Blueprint Genetics
Classification: Uncertain significance. Last evaluated: 2020-12-30. Review status: criteria provided, single submitter. Criteria: ACMG Guidelines, 2015. Collection method: clinical testing. Allele origin: germline.